The following is an entry in ClinVar:

ClinVar aggregate classification (germline): Uncertain significance (1 of 4 stars; one submission).

Allele frequency attached by ClinVar (database versions not stated): TOPMed below 0.00001; ExAC 0.00001; gnomAD exomes below 0.00001.
gnomAD v4.1: 4 of 1,614,240 alleles (0.00025%); highest among the groups gnomAD compares: Admixed American, 0.0017%; no homozygotes.

Submission:

Labcorp Genetics (formerly Invitae), Labcorp
Classification: Uncertain significance. Last evaluated: 2025-03-30. Review status: criteria provided, single submitter. Criteria: Invitae Variant Classification Sherloc (09022015). Collection method: clinical testing. Allele origin: germline.
Comment: This sequence change replaces isoleucine, which is neutral and non-polar, with valine, which is neutral and non-polar, at codon 675 of the TRAPPC9 protein (p.Ile675Val). This variant is present in population databases (rs780235742, gnomAD 0.0009%). This variant has not been reported in the literature in individuals affected with TRAPPC9-related conditions. ClinVar contains an entry for this variant (Variation ID: 2094909). An algorithm developed to predict the effect of missense changes on protein structure and function outputs the following: PolyPhen-2: "Benign". The valine amino acid residue is found in multiple mammalian species, which suggests that this missense change does not adversely affect protein function. In summary, the available evidence is currently insufficient to determine the role of this variant in disease. Therefore, it has been classified as a Variant of Uncertain Significance.

NM_001160372.4(TRAPPC9):c.1729A>G (p.Ile577Val)

Gene: TRAPPC9 (trafficking protein particle complex subunit 9; minus strand). Cytogenetic location: 8q24.3.
Variant type: single nucleotide variant.
Coding change: c.1729A>G on transcript NM_001160372.4 (MANE Select); coding-DNA position 1729, A replaced by G.
Protein change: p.Ile577Val; replaces isoleucine 577 with valine.
Molecular consequence: missense variant. On other transcripts: non-coding transcript variant (1).
Genome position (GRCh38, 1-based): chr8:140,300,508, T>C on the plus strand (A>G on the coding strand, the complement: TRAPPC9 is on the minus strand). VCF-style: chr8-140300508-T-C. GRCh37 (hg19) VCF-style: chr8-141310607-T-C.
Other names: c.1702A>G, p.Ile568Val (NM_001321646.2); c.1750A>G, p.Ile584Val (NM_001374682.1); c.1729A>G, p.Ile577Val (NM_001374683.1, NM_031466.8); c.1585A>G, p.Ile529Val (NM_001374684.1); short protein forms I577V, I584V, I568V, I529V.
Identifiers: ClinVar variation 2094909 (VCV002094909.4), dbSNP rs780235742, ClinGen allele CA4893362.